The following is an entry in ClinVar:

ClinVar aggregate classification (germline): Conflicting classifications of pathogenicity. Review status: criteria provided, conflicting classifications (1 of 4 stars). 3 submissions from 3 submitters: Likely pathogenic (2); Uncertain significance (1). Last evaluated 2026-07-30.

Conditions:
Hereditary cancer-predisposing syndrome. Also called: Hereditary Cancer Syndrome; Neoplastic Syndromes, Hereditary; Hereditary neoplastic syndrome; Tumor predisposition. Identifiers: Orphanet 140162, MedGen C0027672, MeSH D009386, MONDO:0015356.
Familial adenomatous polyposis 2. Also called: COLORECTAL ADENOMATOUS POLYPOSIS, AUTOSOMAL RECESSIVE; ADENOMAS, MULTIPLE COLORECTAL, AUTOSOMAL RECESSIVE; MUTYH Polyposis; MYH-associated polyposis; FAP type 2; MUTYH-associated polyposis. Identifiers: Orphanet 220460, Orphanet 247798, MedGen C3272841, MONDO:0012041, OMIM 608456.

gnomAD v4.1: 1 of 1,613,902 alleles (0.000062%); highest among the groups gnomAD compares: African/African-American, 0.0013%; no homozygotes.

Submissions (3):

Myriad Genetics, Inc.
Classification: Likely pathogenic for Familial adenomatous polyposis 2. Last evaluated: 2026-07-30. Review status: criteria provided, single submitter. Criteria: Myriad Autosomal Dominant, Autosomal Recessive and X-Linked Classification Criteria (2023). Collection method: clinical testing. Allele origin: unknown.
Comment: This variant is considered likely pathogenic. This variant has been reported in multiple individuals with clinical features of gene-specific disease [Myriad internal data]. Functional studies indicate this variant impacts protein function [PMID: 40738107]. This variant is expected to disrupt protein structure [Myriad internal data].

Labcorp Genetics (formerly Invitae), Labcorp
Classification: Uncertain significance for Familial adenomatous polyposis 2. Last evaluated: 2025-11-17. Review status: criteria provided, single submitter. Criteria: Invitae Variant Classification Sherloc (09022015). Collection method: clinical testing. Allele origin: germline.
Comment: This sequence change replaces methionine, which is neutral and non-polar, with leucine, which is neutral and non-polar, at codon 283 of the MUTYH protein (p.Met283Leu). This variant is not present in population databases (gnomAD no frequency). This variant has not been reported in the literature in individuals affected with MUTYH-related conditions. ClinVar contains an entry for this variant (Variation ID: 861845). An algorithm developed to predict the effect of missense changes on protein structure and function (PolyPhen-2) suggests that this variant is likely to be disruptive. This variant disrupts the p.Met283 amino acid residue in MUTYH. Other variant(s) that disrupt this residue have been determined to be pathogenic (PMID: 16941501, 18172263). This suggests that this residue is clinically significant, and that variants that disrupt this residue are likely to be disease-causing. In summary, the available evidence is currently insufficient to determine the role of this variant in disease. Therefore, it has been classified as a Variant of Uncertain Significance.

Ambry Genetics
Classification: Likely pathogenic for Hereditary cancer-predisposing syndrome. Last evaluated: 2025-08-15. Review status: criteria provided, single submitter. Criteria: Ambry Variant Classification Scheme 2023. Collection method: clinical testing. Allele origin: germline.
Comment: The p.M283L variant (also known as c.847A>C), located in coding exon 10 of the MUTYH gene, results from an A to C substitution at nucleotide position 847. The methionine at codon 283 is replaced by leucine, an amino acid with highly similar properties. In a massively parallel cell-based functional assay testing 7,8-dihydro-8- oxoguanine:adenine (8OG:A) repair activity, a byproduct of oxidative damage, this variant was reported to be non-functional (Hemker SL et al. Am J Hum Genet. Published online July 29, 2025. DOI: 10.1016/j.ajhg.2025.07.005). This amino acid position is highly conserved in available vertebrate species. In addition, this alteration is predicted to be deleterious by in silico analysis. This variant is considered to be rare based on population cohorts in the Genome Aggregation Database (gnomAD). Based on the majority of available evidence to date, this variant is likely to be pathogenic.

Literature cited by the submitters: PubMed 40738107 (cited by Myriad Genetics, Inc. and Ambry Genetics); PubMed 16941501 (cited by Labcorp Genetics (formerly Invitae), Labcorp); PubMed 18172263 (cited by Labcorp Genetics (formerly Invitae), Labcorp).

NM_001048174.2(MUTYH):c.763A>C (p.Met255Leu)

Gene: MUTYH (mutY DNA glycosylase; minus strand). Cytogenetic location: 1p34.1.
Variant type: single nucleotide variant.
Coding change: c.763A>C on transcript NM_001048174.2 (MANE Select); coding-DNA position 763, A replaced by C.
Protein change: p.Met255Leu; replaces methionine 255 with leucine.
Molecular consequence: missense variant. On other transcripts: non-coding transcript variant (2).
Genome position (GRCh38, 1-based): chr1:45,332,252, T>G on the plus strand (A>C on the coding strand, the complement: MUTYH is on the minus strand). VCF-style: chr1-45332252-T-G. GRCh37 (hg19) VCF-style: chr1-45797924-T-G.
Other names: c.763A>C, p.Met255Leu (NM_001048171.2, NM_001048173.2, NM_001293195.2); c.766A>C, p.Met256Leu (NM_001048172.2); c.847A>C, p.Met283Leu (NM_001128425.2); c.808A>C, p.Met270Leu (NM_001293190.2); c.796A>C, p.Met266Leu (NM_001293191.2); c.487A>C, p.Met163Leu (NM_001293192.2, NM_001293196.2); c.418A>C, p.Met140Leu (NM_001350650.2, NM_001350651.2); c.838A>C, p.Met280Leu (NM_012222.3); short protein forms M163L, M256L, M255L, M270L, M280L, M283L, M140L, M266L.
Identifiers: ClinVar variation 861845 (VCV000861845.14), dbSNP rs876659676, ClinGen allele CA340134599.